The following is an entry in ClinVar:

ClinVar aggregate classification (germline): Uncertain significance. Review status: criteria provided, multiple submitters, no conflicts (2 of 4 stars). 3 submissions from 3 submitters: Uncertain significance (3). Last evaluated 2024-09-24.

Conditions:
Tuberous sclerosis syndrome (TSC). Also called: Tuberous Sclerosis Complex; Tuberous sclerosis. Identifiers: Orphanet 805, MedGen C0041341, MONDO:0001734.
Hereditary cancer-predisposing syndrome. Also called: Tumor predisposition; Neoplastic Syndromes, Hereditary; Hereditary Cancer Syndrome; Hereditary neoplastic syndrome. Identifiers: Orphanet 140162, MedGen C0027672, MeSH D009386, MONDO:0015356.
Tuberous sclerosis 2 (TSC2). Identifiers: Orphanet 805, MedGen C1860707, MONDO:0013199, OMIM 613254.
Lymphangiomyomatosis (LAM). Also called: Lymphangioleiomyomatosis, somatic; Lymphangioleiomyomatosis. Identifiers: Orphanet 538, MedGen C0751674, MONDO:0011705, OMIM 606690.
Isolated focal cortical dysplasia type II (FCORD2). Also called: CORTICAL DYSPLASIA OF TAYLOR; Focal cortical dysplasia type II. Identifiers: Orphanet 268994, MedGen C1846385, MONDO:0011818, OMIM 607341, HP:0032051.

gnomAD v4.1: 3 of 1,612,772 alleles (0.00019%); highest among the groups gnomAD compares: Non-Finnish European, 0.00025%; no homozygotes.

Submissions (3):

Ambry Genetics
Classification: Uncertain significance for Hereditary cancer-predisposing syndrome. Last evaluated: 2024-09-24. Review status: criteria provided, single submitter. Criteria: Ambry Variant Classification Scheme 2023. Collection method: clinical testing. Allele origin: germline.
Comment: The p.Y1608S variant (also known as c.4823A>C), located in coding exon 36 of the TSC2 gene, results from an A to C substitution at nucleotide position 4823. The tyrosine at codon 1608 is replaced by serine, an amino acid with dissimilar properties. This amino acid position is highly conserved in available vertebrate species. In addition, this alteration is predicted to be deleterious by in silico analysis. Since supporting evidence is limited at this time, the clinical significance of this alteration remains unclear.

Fulgent Genetics
Classification: Uncertain significance for Lymphangiomyomatosis; Isolated focal cortical dysplasia type II; Tuberous sclerosis 2. Last evaluated: 2024-02-14. Review status: criteria provided, single submitter. Criteria: ACMG Guidelines, 2015. Collection method: clinical testing. Allele origin: germline.

All of Us Research Program, National Institutes of Health
Classification: Uncertain significance for Tuberous sclerosis syndrome. Last evaluated: 2023-11-20. Review status: criteria provided, single submitter. Criteria: ACMG Guidelines, 2015. Collection method: clinical testing. Allele origin: germline. Inheritance: Autosomal dominant inheritance. Observed: 1 variant allele, 1 heterozygote.
Comment: This missense variant replaces tyrosine with serine at codon 1608 of the TSC2 protein. Computational prediction suggests that this variant may have deleterious impact on protein structure and function (internally defined REVEL score threshold >= 0.7, PMID: 27666373). To our knowledge, functional studies have not been reported for this variant. This variant has not been reported in individuals affected with TSC2-related disorders in the literature. This variant has not been identified in the general population by the Genome Aggregation Database (gnomAD). The available evidence is insufficient to determine the role of this variant in disease conclusively. Therefore, this variant is classified as a Variant of Uncertain Significance.

This study involves interpretation of variants in research participants for the purpose of population health screening. Participant phenotype was not available at the time of variant classification. Additional details can be found in publication PMID: 35346344, PMCID: PMC8962531

NM_000548.5(TSC2):c.4823A>C (p.Tyr1608Ser)

Gene: TSC2 (TSC complex subunit 2; plus strand). Cytogenetic location: 16p13.3.
Variant type: single nucleotide variant.
Coding change: c.4823A>C on transcript NM_000548.5 (MANE Select); coding-DNA position 4823, A replaced by C.
Protein change: p.Tyr1608Ser; replaces tyrosine 1608 with serine.
Molecular consequence: missense variant.
Genome position (GRCh38, 1-based): chr16:2,086,353, A>C. VCF-style: chr16-2086353-A-C. GRCh37 (hg19) VCF-style: chr16-2136354-A-C.
Other names: c.4622A>C, p.Tyr1541Ser (NM_001077183.3); c.4754A>C, p.Tyr1585Ser (NM_001114382.3); c.4514A>C, p.Tyr1505Ser (NM_001318827.2); c.4478A>C, p.Tyr1493Ser (NM_001318829.2); c.4091A>C, p.Tyr1364Ser (NM_001318831.2); c.4655A>C, p.Tyr1552Ser (NM_001318832.2); c.4625A>C, p.Tyr1542Ser (NM_001363528.2); c.4691A>C, p.Tyr1564Ser (NM_001370404.1); and 1 more; short protein forms Y1608S, Y1364S, Y1552S, Y1564S, Y1585S, Y1541S, Y1542S, Y1565S.
Identifiers: ClinVar variation 486679 (VCV000486679.8), dbSNP rs759795928, ClinGen allele CA394308099.